The following is an entry in ClinVar:

NM_000057.4(BLM):c.2614A>G (p.Lys872Glu)

Gene: BLM (BLM RecQ like helicase; plus strand). Cytogenetic location: 15q26.1.
Variant type: single nucleotide variant.
Coding change: c.2614A>G on transcript NM_000057.4 (MANE Select); coding-DNA position 2614, A replaced by G.
Protein change: p.Lys872Glu; replaces lysine 872 with glutamic acid.
Molecular consequence: missense variant.
Genome position (GRCh38, 1-based): chr15:90,782,880, A>G. VCF-style: chr15-90782880-A-G. GRCh37 (hg19) VCF-style: chr15-91326110-A-G.
Other names: c.2614A>G, p.Lys872Glu (NM_001287246.2, NM_001287247.2); c.1489A>G, p.Lys497Glu (NM_001287248.2); short protein forms K872E, K497E.
Identifiers: ClinVar variation 1949937 (VCV001949937.7), dbSNP rs2505495541, ClinGen allele CA393845717.

ClinVar aggregate classification (germline): Uncertain significance. Review status: criteria provided, multiple submitters, no conflicts (2 of 4 stars). 2 submissions from 2 submitters: Uncertain significance (2). Last evaluated 2023-08-08.

Conditions:
Hereditary cancer-predisposing syndrome. Also called: Hereditary neoplastic syndrome; Tumor predisposition; Hereditary Cancer Syndrome; Neoplastic Syndromes, Hereditary. Identifiers: Orphanet 140162, MedGen C0027672, MeSH D009386, MONDO:0015356.
Bloom syndrome (BLM). Also called: Bloom-Torre-Machacek syndrome. Identifiers: Orphanet 125, MedGen C0005859, MONDO:0008876, OMIM 210900.

Submissions (2):

Ambry Genetics
Classification: Uncertain significance for Hereditary cancer-predisposing syndrome. Last evaluated: 2023-08-08. Review status: criteria provided, single submitter. Criteria: Ambry Variant Classification Scheme 2023. Collection method: clinical testing. Allele origin: germline.
Comment: The p.K872E variant (also known as c.2614A>G), located in coding exon 12 of the BLM gene, results from an A to G substitution at nucleotide position 2614. The lysine at codon 872 is replaced by glutamic acid, an amino acid with similar properties. This amino acid position is highly conserved in available vertebrate species. In addition, the in silico prediction for this alteration is inconclusive. Since supporting evidence is limited at this time, the clinical significance of this alteration remains unclear.

Labcorp Genetics (formerly Invitae), Labcorp
Classification: Uncertain significance for Bloom syndrome. Last evaluated: 2022-03-13. Review status: criteria provided, single submitter. Criteria: Invitae Variant Classification Sherloc (09022015). Collection method: clinical testing. Allele origin: germline.
Comment: In summary, the available evidence is currently insufficient to determine the role of this variant in disease. Therefore, it has been classified as a Variant of Uncertain Significance. Algorithms developed to predict the effect of missense changes on protein structure and function are either unavailable or do not agree on the potential impact of this missense change (SIFT: "Tolerated"; PolyPhen-2: "Probably Damaging"; Align-GVGD: "Class C0"). This variant has not been reported in the literature in individuals affected with BLM-related conditions. This variant is not present in population databases (gnomAD no frequency). This sequence change replaces lysine, which is basic and polar, with glutamic acid, which is acidic and polar, at codon 872 of the BLM protein (p.Lys872Glu).